The following is an entry in ClinVar:

ClinVar aggregate classification (germline): Uncertain significance (1 of 4 stars; one submission).

Conditions:
Cardiovascular phenotype. Identifiers: MedGen CN230736.

Submission:

Ambry Genetics
Classification: Uncertain significance for Cardiovascular phenotype. Last evaluated: 2012-10-05. Review status: criteria provided, single submitter. Criteria: Ambry Autosomal Dominant and X-Linked criteria (10/2015). Collection method: clinical testing. Allele origin: germline. Observed: 1 variant allele.
Comment: There is insufficient or conflicting evidence for classification of this alteration.

NM_001267550.2(TTN):c.66081G>T (p.Gln22027His)

Genes: TTN (titin; minus strand), TTN-AS1 (TTN antisense RNA 1; plus strand). Cytogenetic location: 2q31.2.
Variant type: single nucleotide variant.
Coding change: c.66081G>T on transcript NM_001267550.2 (MANE Select); coding-DNA position 66081, G replaced by T.
Protein change: p.Gln22027His; replaces glutamine 22027 with histidine.
Molecular consequence: missense variant.
Genome position (GRCh38, 1-based): chr2:178,582,375, C>A on the plus strand (G>T on the coding strand, the complement: TTN is on the minus strand). VCF-style: chr2-178582375-C-A. GRCh37 (hg19) VCF-style: chr2-179447102-C-A.
Other names: c.61158G>T, p.Gln20386His (NM_001256850.1); c.38886G>T, p.Gln12962His (NM_003319.4); c.58377G>T, p.Gln19459His (NM_133378.4); c.39261G>T, p.Gln13087His (NM_133432.3); c.39462G>T, p.Gln13154His (NM_133437.4); short protein forms Q19459H, Q22027H, Q13087H, Q13154H, Q20386H, Q12962H.
Identifiers: ClinVar variation 263357 (VCV000263357.3), dbSNP rs886038775, ClinGen allele CA10587483.
Genomic context (GRCh38, chr2:178,582,375, plus strand): 5'-TGCTGGTTCAGTGAAGACTGGATCGCCTACTCCATATTTATTTTCAGCACAAATACGGAA[C>A]TGATACTCATGGCCCTCTATAAGTTTCTCCACGCTGCAGCTGGTGATAGGCACAGTTGCA-3'
Protein context (NP_001254479.2, residues 22017-22037): VEKLIEGHEY[Gln22027His]FRICAENKYG